The following is an entry in ClinVar:

NM_000135.4(FANCA):c.298G>C (p.Asp100His)

Gene: FANCA (FA complementation group A; minus strand). Cytogenetic location: 16q24.3.
Variant type: single nucleotide variant.
Coding change: c.298G>C on transcript NM_000135.4 (MANE Select); coding-DNA position 298, G replaced by C.
Protein change: p.Asp100His; replaces aspartic acid 100 with histidine.
Molecular consequence: missense variant.
Genome position (GRCh38, 1-based): chr16:89,811,057, C>G on the plus strand (G>C on the coding strand, the complement: FANCA is on the minus strand). VCF-style: chr16-89811057-C-G. GRCh37 (hg19) VCF-style: chr16-89877465-C-G.
Other names: c.298G>C, p.Asp100His (NM_001018112.3, NM_001286167.3, NM_001351830.2); short protein forms D100H.
Identifiers: ClinVar variation 2696903 (VCV002696903.3), dbSNP rs2544365316, ClinGen allele CA397481095.
Genomic context (GRCh38, chr16:89,811,057, plus strand): 5'-TAGAGGCAACCATCCCGGCTGAGAGAATACCCACGGGAACCCCCAGCCTTGAGGCTTGAT[C>G]CTGCAAAGCAGAGCCTTAAACACAAAACAAAACCATAGCTTTCTCTTAACACATGAGACA-3'
Protein context (NP_000126.2, residues 90-110): SSSFIGSALQ[Asp100His]QASRLGVPVG

ClinVar aggregate classification (germline): Uncertain significance (1 of 4 stars; one submission).

Conditions:
Fanconi anemia (FA). Also called: Fanconi's anemia. Identifiers: Orphanet 84, MedGen C0015625, MeSH D005199, MONDO:0019391.

Submission:

Labcorp Genetics (formerly Invitae), Labcorp
Classification: Uncertain significance for Fanconi anemia. Last evaluated: 2023-11-17. Review status: criteria provided, single submitter. Criteria: Invitae Variant Classification Sherloc (09022015). Collection method: clinical testing. Allele origin: germline.
Comment: This sequence change replaces aspartic acid, which is acidic and polar, with histidine, which is basic and polar, at codon 100 of the FANCA protein (p.Asp100His). This variant is not present in population databases (gnomAD no frequency). This variant has not been reported in the literature in individuals affected with FANCA-related conditions. Advanced modeling of protein sequence and biophysical properties (such as structural, functional, and spatial information, amino acid conservation, physicochemical variation, residue mobility, and thermodynamic stability) has been performed at Invitae for this missense variant, however the output from this modeling did not meet the statistical confidence thresholds required to predict the impact of this variant on FANCA protein function. In summary, the available evidence is currently insufficient to determine the role of this variant in disease. Therefore, it has been classified as a Variant of Uncertain Significance.